The following is an entry in ClinVar:

NM_004006.3(DMD):c.6439G>A (p.Glu2147Lys)

Gene: DMD (dystrophin; minus strand). Cytogenetic location: Xp21.1.
Variant type: single nucleotide variant.
Coding change: c.6439G>A on transcript NM_004006.3 (MANE Select); coding-DNA position 6439, G replaced by A.
Protein change: p.Glu2147Lys; replaces glutamic acid 2147 with lysine.
Molecular consequence: missense variant. On other transcripts: 5 prime UTR variant (5).
Genome position (GRCh38, 1-based): chrX:31,968,514, C>T on the plus strand (G>A on the coding strand, the complement: DMD is on the minus strand). VCF-style: chrX-31968514-C-T. GRCh37 (hg19) VCF-style: chrX-31986631-C-T.
Other names: c.6415G>A, p.Glu2139Lys (NM_000109.4); c.6427G>A, p.Glu2143Lys (NM_004009.3); c.6070G>A, p.Glu2024Lys (NM_004010.3); c.2416G>A, p.Glu806Lys (NM_004011.4); c.2407G>A, p.Glu803Lys (NM_004012.4); c.-942G>A (NM_004013.3, NM_004020.4, NM_004021.3 and 2 more transcripts); short protein forms E2143K, E806K, E2139K, E2024K, E2147K, E803K.
Identifiers: ClinVar variation 2192411 (VCV002192411.2), dbSNP rs1241182813, ClinGen allele CA412659842.
Genomic context (GRCh38, chrX:31,968,514, plus strand): 5'-CCCCAGTTGCATTCAATGTTCTGACAACAGTTTGCCGCTGCCCAATGCCATCCTGGAGTT[C>T]CTGTAAGATACCAAAAAGGCAAAACAAAAATGAAGCCCCATGTCTTTTTATTTGAGAAAA-3'
Protein context (NP_003997.2, residues 2137-2157): EHAKYKWYLK[Glu2147Lys]LQDGIGQRQT

ClinVar aggregate classification (germline): Uncertain significance (1 of 4 stars; one submission).

Conditions:
Duchenne muscular dystrophy (DMD). Also called: MUSCULAR DYSTROPHY, PSEUDOHYPERTROPHIC PROGRESSIVE, DUCHENNE TYPE; Duchenne Muscular Dystrophy (DMD). Identifiers: Orphanet 98896, MedGen C0013264, MONDO:0010679, OMIM 310200.

Allele frequency attached by ClinVar (database versions not stated): gnomAD exomes below 0.00001; TOPMed 0.00001; gnomAD 0.00003.
gnomAD v4.1: 7 of 1,208,243 alleles (0.00058%); highest among the groups gnomAD compares: East Asian, 0.021%; no homozygotes.

Submission:

Labcorp Genetics (formerly Invitae), Labcorp
Classification: Uncertain significance for Duchenne muscular dystrophy. Last evaluated: 2025-05-07. Review status: criteria provided, single submitter. Criteria: Invitae Variant Classification Sherloc (09022015). Collection method: clinical testing. Allele origin: germline.
Comment: This sequence change replaces glutamic acid, which is acidic and polar, with lysine, which is basic and polar, at codon 2147 of the DMD protein (p.Glu2147Lys). This variant is present in population databases (no rsID available, gnomAD 0.02%). This variant has not been reported in the literature in individuals affected with DMD-related conditions. ClinVar contains an entry for this variant (Variation ID: 2192411). An algorithm developed to predict the effect of missense changes on protein structure and function (PolyPhen-2) suggests that this variant is likely to be disruptive. In summary, the available evidence is currently insufficient to determine the role of this variant in disease. Therefore, it has been classified as a Variant of Uncertain Significance.